The following is an entry in ClinVar:

ClinVar aggregate classification (germline): Uncertain significance. Review status: criteria provided, multiple submitters, no conflicts (2 of 4 stars). 2 submissions from 2 submitters: Uncertain significance (2). Last evaluated 2025-10-08.

Conditions:
Inborn genetic diseases. Identifiers: MedGen C0950123, MeSH D030342.

Allele frequency attached by ClinVar (database versions not stated): ExAC 0.00001; gnomAD 0.00001; gnomAD exomes 0.00001; TOPMed 0.00002; 1000 Genomes Project 30x 0.00016; 1000 Genomes Project 0.00020.
gnomAD v4.1: 23 of 1,613,386 alleles (0.0014%); highest among the groups gnomAD compares: African/African-American, 0.004%; no homozygotes.

Submissions (2):

Ambry Genetics
Classification: Uncertain significance for Inborn genetic diseases. Last evaluated: 2025-10-08. Review status: criteria provided, single submitter. Criteria: Ambry Variant Classification Scheme 2023. Collection method: clinical testing. Allele origin: germline.

Labcorp Genetics (formerly Invitae), Labcorp
Classification: Uncertain significance. Last evaluated: 2025-02-15. Review status: criteria provided, single submitter. Criteria: Invitae Variant Classification Sherloc (09022015). Collection method: clinical testing. Allele origin: germline.
Comment: This sequence change replaces valine, which is neutral and non-polar, with methionine, which is neutral and non-polar, at codon 1645 of the TECTA protein (p.Val1645Met). This variant is present in population databases (rs551612251, gnomAD 0.006%). This variant has not been reported in the literature in individuals affected with TECTA-related conditions. ClinVar contains an entry for this variant (Variation ID: 2594899). Invitae Evidence Modeling of protein sequence and biophysical properties (such as structural, functional, and spatial information, amino acid conservation, physicochemical variation, residue mobility, and thermodynamic stability) indicates that this missense variant is not expected to disrupt TECTA protein function with a negative predictive value of 95%. In summary, the available evidence is currently insufficient to determine the role of this variant in disease. Therefore, it has been classified as a Variant of Uncertain Significance.

NM_005422.4(TECTA):c.4933G>A (p.Val1645Met)

Genes: TBCEL-TECTA (TBCEL-TECTA readthrough; plus strand), TECTA (tectorin alpha; plus strand). Cytogenetic location: 11q23.3.
Variant type: single nucleotide variant.
Coding change: c.4933G>A on transcript NM_005422.4 (MANE Select); coding-DNA position 4933, G replaced by A.
Protein change: p.Val1645Met; replaces valine 1645 with methionine.
Molecular consequence: missense variant.
Genome position (GRCh38, 1-based): chr11:121,160,378, G>A. VCF-style: chr11-121160378-G-A. GRCh37 (hg19) VCF-style: chr11-121031087-G-A.
Other names: c.5890G>A, p.Val1964Met (NM_001378761.1); short protein forms V1964M, V1645M.
Identifiers: ClinVar variation 2594899 (VCV002594899.4), dbSNP rs551612251, ClinGen allele CA6327601.